The following is an entry in ClinVar:

ClinVar aggregate classification (germline): Uncertain significance (1 of 4 stars; one submission).

Conditions:
Glycogen storage disease IXa1. Also called: GLYCOGEN STORAGE DISEASE VIII; GSD VIII; Glycogen storage disease 8; LIVER GLYCOGENOSIS, X-LINKED, TYPE I. Identifiers: Orphanet 264580, MedGen C3694531, MONDO:0010598, OMIM 306000.

Allele frequency attached by ClinVar (database versions not stated): gnomAD exomes below 0.00001.
gnomAD v4.1: 4 of 1,200,004 alleles (0.00033%); highest among the groups gnomAD compares: Non-Finnish European, 0.00045%; no homozygotes.

Submission:

Labcorp Genetics (formerly Invitae), Labcorp
Classification: Uncertain significance for Glycogen storage disease IXa1. Last evaluated: 2021-07-19. Review status: criteria provided, single submitter. Criteria: Invitae Variant Classification Sherloc (09022015). Collection method: clinical testing. Allele origin: germline.
Comment: This variant has not been reported in the literature in individuals with PHKA2-related conditions. This sequence change replaces glycine with valine at codon 592 of the PHKA2 protein (p.Gly592Val). The glycine residue is highly conserved and there is a moderate physicochemical difference between glycine and valine. This variant is not present in population databases (ExAC no frequency). Algorithms developed to predict the effect of missense changes on protein structure and function are either unavailable or do not agree on the potential impact of this missense change (SIFT: "Deleterious"; PolyPhen-2: "Probably Damaging"; Align-GVGD: "Class C0"). In summary, the available evidence is currently insufficient to determine the role of this variant in disease. Therefore, it has been classified as a Variant of Uncertain Significance.

NM_000292.3(PHKA2):c.1775G>T (p.Gly592Val)

Gene: PHKA2 (phosphorylase kinase regulatory subunit alpha 2; minus strand). Cytogenetic location: Xp22.13.
Variant type: single nucleotide variant.
Coding change: c.1775G>T on transcript NM_000292.3 (MANE Select); coding-DNA position 1775, G replaced by T.
Protein change: p.Gly592Val; replaces glycine 592 with valine.
Molecular consequence: missense variant.
Genome position (GRCh38, 1-based): chrX:18,924,074, C>A on the plus strand (G>T on the coding strand, the complement: PHKA2 is on the minus strand). VCF-style: chrX-18924074-C-A. GRCh37 (hg19) VCF-style: chrX-18942192-C-A.
Other names: short protein forms G592V.
Identifiers: ClinVar variation 1348652 (VCV001348652.8), dbSNP rs370965746, ClinGen allele CA412390718.
Genomic context (GRCh38, chrX:18,924,074, plus strand): 5'-GTCAGTGCTACTCTTATATTTTTTAAAAAAATCACAAATTACCTGGCTCCTCCAAAATAT[C>A]CATCCTCTAGTTTTCTAATTGTGGAGAGCACAGCAGAATGAATGTCTGAGCCATCATTTG-3'
Protein context (NP_000283.1, residues 582-602): VLSTIRKLED[Gly592Val]YFGGARVKLG